The following is an entry in ClinVar:

NM_006904.7(PRKDC):c.6901C>G (p.Gln2301Glu)

Gene: PRKDC (protein kinase, DNA-activated, catalytic subunit; minus strand). Cytogenetic location: 8q11.21.
Variant type: single nucleotide variant.
Coding change: c.6901C>G on transcript NM_006904.7 (MANE Select); coding-DNA position 6901, C replaced by G.
Protein change: p.Gln2301Glu; replaces glutamine 2301 with glutamic acid.
Molecular consequence: missense variant.
Genome position (GRCh38, 1-based): chr8:47,852,777, G>C on the plus strand (C>G on the coding strand, the complement: PRKDC is on the minus strand). VCF-style: chr8-47852777-G-C. GRCh37 (hg19) VCF-style: chr8-48765338-G-C.
Other names: c.6901C>G, p.Gln2301Glu (NM_001081640.2); short protein forms Q2301E.
Identifiers: ClinVar variation 542001 (VCV000542001.10), dbSNP rs376211703, ClinGen allele CA4740225.

ClinVar aggregate classification (germline): Conflicting classifications of pathogenicity. Review status: criteria provided, conflicting classifications (1 of 4 stars). 2 submissions from 2 submitters: Uncertain significance (1); Likely benign (1). Last evaluated 2026-01-24.

Conditions:
Severe combined immunodeficiency due to DNA-PKcs deficiency. Also called: IMMUNODEFICIENCY 26 WITH NEUROLOGIC ABNORMALITIES; Immunodeficiency 26 with or without neurologic abnormalities. Identifiers: Orphanet 317425, MedGen C4014833, MONDO:0014423, OMIM 615966.

Allele frequency attached by ClinVar (database versions not stated): 1000 Genomes Project 30x 0.00016; 1000 Genomes Project 0.00020; gnomAD exomes 0.00036 and 0.00088; ExAC 0.00047; gnomAD 0.00048; TOPMed 0.00051; ESP Exome Variant Server 0.00059.

Submissions (2):

Labcorp Genetics (formerly Invitae), Labcorp
Classification: Likely benign for Severe combined immunodeficiency due to DNA-PKcs deficiency. Last evaluated: 2026-01-24. Review status: criteria provided, single submitter. Criteria: Invitae Variant Classification Sherloc (09022015). Collection method: clinical testing. Allele origin: germline.

Center for Genomics, Ann and Robert H. Lurie Children's Hospital of Chicago
Classification: Uncertain significance for Severe combined immunodeficiency due to DNA-PKcs deficiency. Last evaluated: 2021-03-30. Review status: criteria provided, single submitter. Criteria: ACMG Guidelines, 2015. Collection method: clinical testing. Allele origin: germline.
Comment: PRKDC NM_006904.6 exon 52 p.Gln2301Glu (c.6901C>G): This variant has not been reported in the literature but is present in 63/85696 European alleles, including 1 homozygote, in the Genome Aggregation Database. This variant Glutamic Acid (Glu) is present in >15 species and is not well conserved among evolutionarily distant species; this suggests that this variant may not impact the protein. Additional computational prediction tools do not suggest an impact. In summary, data on this variant is insufficient for disease classification. Therefore, the clinical significance of this variant is uncertain.